The following is an entry in ClinVar:

ClinVar aggregate classification (germline): Benign/Likely benign. Review status: criteria provided, multiple submitters, no conflicts (2 of 4 stars). 3 submissions from 3 submitters: Benign (1); Likely benign (2). Last evaluated 2025-03-17.

Conditions:
Pheochromocytoma/paraganglioma syndrome 1. Also called: PARAGANGLIOMATA; Paragangliomas 1; Glomus tumors familial 1; Paraganglioma - glomus jugulare; SDHD-Related Hereditary Paraganglioma-Pheochromocytoma Syndrome; PARAGANGLIOMAS, FAMILIAL NONCHROMAFFIN, 1. Identifiers: Orphanet 29072, MedGen C3494181, MONDO:0008192, OMIM 168000.
Hereditary cancer-predisposing syndrome. Also called: Hereditary neoplastic syndrome; Neoplastic Syndromes, Hereditary; Tumor predisposition; Hereditary Cancer Syndrome. Identifiers: Orphanet 140162, MedGen C0027672, MeSH D009386, MONDO:0015356.
Pheochromocytoma. Also called: MAX-Related Hereditary Paraganglioma-Pheochromocytoma Syndrome. Identifiers: Orphanet 29072, MedGen C0031511, MONDO:0008233, OMIM 171300, HP:0002666.
Carney-Stratakis syndrome. Also called: PARAGANGLIOMA AND GASTROINTESTINAL STROMAL TUMOR. Identifiers: Orphanet 97286, MedGen C1847319, MONDO:0011740, OMIM 606864.
Paragangliomas with sensorineural hearing loss. Identifiers: MedGen C1868633.
Cowden syndrome 3 (CWS3). Identifiers: Orphanet 201, MedGen CN166604, MONDO:0014045.

Allele frequency attached by ClinVar (database versions not stated): gnomAD exomes below 0.00001.

Submissions (3):

Myriad Genetics, Inc.
Classification: Benign for Pheochromocytoma/paraganglioma syndrome 1. Last evaluated: 2025-03-17. Review status: criteria provided, single submitter. Criteria: Myriad Autosomal Dominant, Autosomal Recessive and X-Linked Classification Criteria (2023). Collection method: clinical testing. Allele origin: unknown.
Comment: This variant is considered benign. This variant is a silent/synonymous amino acid change and it is not expected to impact splicing.

Labcorp Genetics (formerly Invitae), Labcorp
Classification: Likely benign for Carney-Stratakis syndrome; Paragangliomas with sensorineural hearing loss; Pheochromocytoma; Cowden syndrome 3. Last evaluated: 2022-07-22. Review status: criteria provided, single submitter. Criteria: Invitae Variant Classification Sherloc (09022015). Collection method: clinical testing. Allele origin: germline.

Ambry Genetics
Classification: Likely benign for Hereditary cancer-predisposing syndrome. Last evaluated: 2020-09-08. Review status: criteria provided, single submitter. Criteria: Ambry Variant Classification Scheme 2023. Collection method: clinical testing. Allele origin: germline.

NM_003002.4(SDHD):c.19C>T (p.Leu7=)

Genes: SDHD (succinate dehydrogenase complex subunit D; plus strand), LOC126861339 (BRD4-independent group 4 enhancer GRCh37_chr11:111957035-111958234; plus strand). Cytogenetic location: 11q23.1.
Variant type: single nucleotide variant.
Coding change: c.19C>T on transcript NM_003002.4 (MANE Select); coding-DNA position 19, C replaced by T.
Protein change: p.Leu7=; no amino-acid change (leucine 7 retained).
Molecular consequence: synonymous variant. On other transcripts: non-coding transcript variant (1).
Genome position (GRCh38, 1-based): chr11:112,086,926, C>T. VCF-style: chr11-112086926-C-T. GRCh37 (hg19) VCF-style: chr11-111957650-C-T.
Other names: c.19C>T, p.Leu7= (NM_001276503.2, NM_001276504.2, NM_001276506.2).
Identifiers: ClinVar variation 465226 (VCV000465226.16), dbSNP rs1337542194, ClinGen allele CA476789073.